The following is an entry in ClinVar:

ClinVar aggregate classification (germline): Uncertain significance. Review status: criteria provided, single submitter (1 of 4 stars). 2 submissions from 2 submitters: Uncertain significance (1). 1 of the submissions does not count toward it. Last evaluated 2025-10-28.

Conditions:
CIC-related disorder. Also called: CIC-related condition.

Allele frequency attached by ClinVar (database versions not stated): ExAC 0.00001.

Submissions (2):

Dasa
Classification: Uncertain significance. Last evaluated: 2025-10-28. Review status: criteria provided, single submitter. Criteria: DASA Assertion Criteria. Collection method: clinical testing. Allele origin: germline.
Comment: NM_001386298.1(CIC):c.4708G>A (p.Ala1570Thr) is a missense variant that results in the substitution of alanine with threonine. This variant is rare in population databases. Computational prediction algorithms are consistent with a benign effect. The currently available literature and clinical evidence are not sufficient to establish a definitive association between this variant and the reported condition. Therefore, this variant is classified as a variant of uncertain significance.

PreventionGenetics, part of Exact Sciences
Classification: Uncertain significance for CIC-related condition. Last evaluated: 2024-02-16. Review status: no assertion criteria provided. Collection method: clinical testing. Allele origin: germline. Not counted in ClinVar's aggregate classification.
Comment: The CIC c.1981G>A variant is predicted to result in the amino acid substitution p.Ala661Thr. To our knowledge, this variant has not been reported in the literature. This variant is reported in 0.0029% of alleles in individuals of Latino descent in gnomAD. At this time, the clinical significance of this variant is uncertain due to the absence of conclusive functional and genetic evidence.

NM_001386298.1(CIC):c.4708G>A (p.Ala1570Thr)

Gene: CIC (capicua transcriptional repressor; plus strand). Cytogenetic location: 19q13.2.
Variant type: single nucleotide variant.
Coding change: c.4708G>A on transcript NM_001386298.1 (MANE Select); coding-DNA position 4708, G replaced by A.
Protein change: p.Ala1570Thr; replaces alanine 1570 with threonine.
Molecular consequence: missense variant.
Genome position (GRCh38, 1-based): chr19:42,290,749, G>A. VCF-style: chr19-42290749-G-A. GRCh37 (hg19) VCF-style: chr19-42794901-G-A.
Other names: c.4708G>A, p.Ala1570Thr (NM_001304815.2, NM_001379480.1, NM_001379482.1 and 1 more transcripts); c.1981G>A, p.Ala661Thr (NM_001379484.1, NM_001379485.1, NM_015125.5); short protein forms A1570T, A661T.
Identifiers: ClinVar variation 3061058 (VCV003061058.4), dbSNP rs766781873, ClinGen allele CA9472156.